The following is an entry in ClinVar:

NM_020041.3(SLC2A9):c.322T>C (p.Leu108=)

Genes: SLC2A9 (solute carrier family 2 member 9; minus strand), SLC2A9-AS1 (SLC2A9 antisense RNA 1; plus strand). Cytogenetic location: 4p16.1.
Variant type: single nucleotide variant.
Coding change: c.322T>C on transcript NM_020041.3 (MANE Select); coding-DNA position 322, T replaced by C.
Protein change: p.Leu108=; no amino-acid change (leucine 108 retained).
Molecular consequence: synonymous variant.
Genome position (GRCh38, 1-based): chr4:9,996,869, A>G on the plus strand (T>C on the coding strand, the complement: SLC2A9 is on the minus strand). VCF-style: chr4-9996869-A-G. GRCh37 (hg19) VCF-style: chr4-9998493-A-G.
Other names: p.Leu108=; c.235T>C, p.Leu79= (NM_001001290.2).
Identifiers: ClinVar variation 350240 (VCV000350240.21), dbSNP rs13113918, ClinGen allele CA2857276.

ClinVar aggregate classification (germline): Benign. Review status: criteria provided, multiple submitters, no conflicts (2 of 4 stars). 7 submissions from 7 submitters: Benign (7). Last evaluated 2026-02-04.

Conditions:
Hypouricemia, renal, 2. Also called: HYPOURICEMIA, RENAL, 2, AUTOSOMAL DOMINANT; HYPOURICEMIA, RENAL, 2, AUTOSOMAL RECESSIVE. Identifiers: MedGen C2677549, MONDO:0012793, OMIM 612076.

Allele frequency attached by ClinVar (database versions not stated): TOPMed 0.78584; gnomAD 0.78751 and 0.78511; gnomAD exomes 0.79842; ExAC 0.80153; 1000 Genomes Project 30x 0.81621; 1000 Genomes Project 0.82069; ESP Exome Variant Server 0.78233.
gnomAD v4.1: 1,280,554 of 1,613,808 alleles (79%); highest among the groups gnomAD compares: East Asian, 98%; 509,519 homozygotes.

Submissions (7):

Labcorp Genetics (formerly Invitae), Labcorp
Classification: Benign. Last evaluated: 2026-02-04. Review status: criteria provided, single submitter. Criteria: Invitae Variant Classification Sherloc (09022015). Collection method: clinical testing. Allele origin: germline.

Blueprint Genetics
Classification: Benign. Last evaluated: 2024-11-26. Review status: criteria provided, single submitter. Criteria: ACMG Guidelines, 2015. Collection method: clinical testing. Allele origin: germline.

Mayo Clinic Laboratories, Mayo Clinic
Classification: Benign. Last evaluated: 2022-03-09. Review status: criteria provided, single submitter. Criteria: ACMG Guidelines, 2015. Collection method: clinical testing. Allele origin: germline. Observed: 167 variant alleles.

Genome-Nilou Lab
Classification: Benign for Hypouricemia, renal, 2. Last evaluated: 2021-07-15. Review status: criteria provided, single submitter. Criteria: ACMG Guidelines, 2015. Collection method: clinical testing. Allele origin: germline. Affected: no.

GeneDx
Classification: Benign. Last evaluated: 2018-11-12. Review status: criteria provided, single submitter. Criteria: GeneDx Variant Classification Process June 2021. Collection method: clinical testing. Allele origin: germline. Affected: yes.

Illumina Laboratory Services, Illumina
Classification: Benign for Hypouricemia, renal, 2. Last evaluated: 2018-01-12. Review status: criteria provided, single submitter. Criteria: ICSL Variant Classification Criteria 13 December 2019. Collection method: clinical testing. Allele origin: germline.
Comment: This variant was observed in the ICSL laboratory as part of a predisposition screen in an ostensibly healthy population. It had not been previously curated by ICSL or reported in the Human Gene Mutation Database (HGMD: prior to June 1st, 2018), and was therefore a candidate for classification through an automated scoring system. Utilizing variant allele frequency, disease prevalence and penetrance estimates, and inheritance mode, an automated score was calculated to assess if this variant is too frequent to cause the disease. Based on the score and internal cut-off values, a variant classified as benign is not then subjected to further curation. The score for this variant resulted in a classification of benign for this disease.

Breakthrough Genomics
Classification: Benign. Review status: criteria provided, single submitter. Criteria: ACMG Guidelines, 2015. Collection method: not provided. Allele origin: germline. Inheritance: Autosomal dominant inheritance. Affected: yes.